The following is an entry in ClinVar:

ClinVar aggregate classification (germline): Uncertain significance (1 of 4 stars; one submission).

Conditions:
POU3F3-related disorder. Also called: POU3F3-related condition.

Submission:

PreventionGenetics, part of Exact Sciences
Classification: Uncertain significance for POU3F3-related condition. Last evaluated: 2026-08-17. Review status: criteria provided, single submitter. Criteria: ACMG Guidelines, 2015. Collection method: clinical testing. Allele origin: germline.
Comment: The POU3F3 c.1237A>G variant is predicted to result in the amino acid substitution p.Ile413Val. To our knowledge, this variant has not been reported in the literature or in a large population database (gnomAD), indicating this variant is rare. At this time, the clinical significance of this variant is uncertain due to the absence of conclusive functional and genetic evidence.

NM_006236.3(POU3F3):c.1237A>G (p.Ile413Val)

Gene: POU3F3 (POU class 3 homeobox 3; plus strand). Cytogenetic location: 2q12.1.
Variant type: single nucleotide variant.
Coding change: c.1237A>G on transcript NM_006236.3 (MANE Select); coding-DNA position 1237, A replaced by G.
Protein change: p.Ile413Val; replaces isoleucine 413 with valine.
Molecular consequence: missense variant.
Genome position (GRCh38, 1-based): chr2:104,856,747, A>G. VCF-style: chr2-104856747-A-G. GRCh37 (hg19) VCF-style: chr2-105473205-A-G.
Other names: c.1237A>G, p.Ile413Val (NM_001433704.1); short protein forms I413V.
Identifiers: ClinVar variation 4994143 (VCV004994143.1).